The following is an entry in ClinVar:

NM_001166108.2(PALLD):c.1965-12795C>T

Gene: PALLD (palladin, cytoskeletal associated protein; plus strand). Cytogenetic location: 4q32.3.
Variant type: single nucleotide variant.
Coding change: c.1965-12795C>T on transcript NM_001166108.2 (MANE Select); 12795 bases into the intron before coding-DNA position 1965, C replaced by T.
Molecular consequence: intron variant. On other transcripts: missense variant (1).
Genome position (GRCh38, 1-based): chr4:168,878,127, C>T. VCF-style: chr4-168878127-C-T. GRCh37 (hg19) VCF-style: chr4-169799278-C-T.
Other names: c.236C>T, p.Ala79Val (NM_001166110.2); c.1965-12795C>T (NM_016081.4); c.819-12795C>T (NM_001166109.2); c.-157-12795C>T (NM_001367570.1, NM_001367568.1, NM_001367567.1 and 1 more transcripts); short protein forms A79V.
Identifiers: ClinVar variation 136004 (VCV000136004.10), dbSNP rs587780759, ClinGen allele CA332737.

ClinVar aggregate classification (germline): Uncertain significance. Review status: criteria provided, multiple submitters, no conflicts (2 of 4 stars). 2 submissions from 2 submitters: Uncertain significance (2). Last evaluated 2025-09-25.

Conditions:
Pancreatic adenocarcinoma. Identifiers: MedGen C0281361, MONDO:0006047, HP:0006725.

Allele frequency attached by ClinVar (database versions not stated): gnomAD exomes 0.00001 and 0.00004.
gnomAD v4.1: 13 of 1,480,474 alleles (0.00088%); highest among the groups gnomAD compares: Admixed American, 0.0023%; no homozygotes.

Submissions (2):

Ambry Genetics
Classification: Uncertain significance. Last evaluated: 2025-09-25. Review status: criteria provided, single submitter. Criteria: Ambry Variant Classification Scheme 2023. Collection method: clinical testing. Allele origin: germline.

Labcorp Genetics (formerly Invitae), Labcorp
Classification: Uncertain significance for Pancreatic adenocarcinoma. Last evaluated: 2020-11-25. Review status: criteria provided, single submitter. Criteria: Invitae Variant Classification Sherloc (09022015). Collection method: clinical testing. Allele origin: germline.
Comment: This sequence change replaces alanine with valine at codon 79 of the PALLD protein (p.Ala79Val). The alanine residue is weakly conserved and there is a small physicochemical difference between alanine and valine. The frequency data for this variant in the population databases is considered unreliable, as metrics indicate insufficient coverage at this position in the ExAC database. This variant has not been reported in the literature in individuals with PALLD-related conditions. ClinVar contains an entry for this variant (Variation ID: 136004). Algorithms developed to predict the effect of missense changes on protein structure and function (SIFT, PolyPhen-2, Align-GVGD) all suggest that this variant is likely to be tolerated, but these predictions have not been confirmed by published functional studies and their clinical significance is uncertain. In summary, the available evidence is currently insufficient to determine the role of this variant in disease. Therefore, it has been classified as a Variant of Uncertain Significance.